The following is an entry in ClinVar:

ClinVar aggregate classification (germline): Uncertain significance (1 of 4 stars; one submission).

Allele frequency attached by ClinVar (database versions not stated): gnomAD exomes below 0.00001; TOPMed below 0.00001; gnomAD 0.00001.
gnomAD v4.1: 4 of 1,613,596 alleles (0.00025%); highest among the groups gnomAD compares: Non-Finnish European, 0.00034%; no homozygotes.

Submission:

Labcorp Genetics (formerly Invitae), Labcorp
Classification: Uncertain significance. Last evaluated: 2021-03-05. Review status: criteria provided, single submitter. Criteria: Invitae Variant Classification Sherloc (09022015). Collection method: clinical testing. Allele origin: germline.
Comment: This sequence change replaces proline with alanine at codon 338 of the CCT2 protein (p.Pro338Ala). The proline residue is highly conserved and there is a small physicochemical difference between proline and alanine. This variant is not present in population databases (ExAC no frequency). This variant has not been reported in the literature in individuals with CCT2-related conditions. Algorithms developed to predict the effect of missense changes on protein structure and function (SIFT, PolyPhen-2, Align-GVGD) all suggest that this variant is likely to be tolerated, but these predictions have not been confirmed by published functional studies and their clinical significance is uncertain. In summary, the available evidence is currently insufficient to determine the role of this variant in disease. Therefore, it has been classified as a Variant of Uncertain Significance.

NM_006431.3(CCT2):c.1012C>G (p.Pro338Ala)

Gene: CCT2 (chaperonin containing TCP1 subunit 2; plus strand). Cytogenetic location: 12q15.
Variant type: single nucleotide variant.
Coding change: c.1012C>G on transcript NM_006431.3 (MANE Select); coding-DNA position 1012, C replaced by G.
Protein change: p.Pro338Ala; replaces proline 338 with alanine.
Molecular consequence: missense variant.
Genome position (GRCh38, 1-based): chr12:69,597,185, C>G. VCF-style: chr12-69597185-C-G. GRCh37 (hg19) VCF-style: chr12-69990965-C-G.
Other names: c.871C>G, p.Pro291Ala (NM_001198842.2); short protein forms P291A, P338A.
Identifiers: ClinVar variation 1021774 (VCV001021774.9), dbSNP rs1325804622, ClinGen allele CA385730137.